The following is an entry in ClinVar:

NC_000016.10:c.(605+1_606-1)_(1056+1_1057-1)dup

Gene: WWOX (WW domain containing oxidoreductase; plus strand).
Variant type: Duplication.
Identifiers: ClinVar variation 3340475 (VCV003340475.2).

ClinVar aggregate classification (germline): Uncertain significance (1 of 4 stars; one submission).

Conditions:
Developmental and epileptic encephalopathy, 28 (DEE28). Also called: Epileptic encephalopathy, early infantile, 28. Identifiers: Orphanet 442835, MedGen C4015519, MONDO:0014533, OMIM 616211.

Submission:

Foundation for Research in Genetics and Endocrinology, FRIGE's Institute of Human Genetics
Classification: Uncertain significance for Developmental and epileptic encephalopathy, 28. Review status: criteria provided, single submitter. Criteria: ACMG Guidelines, 2015. Collection method: clinical testing. Allele origin: germline. Inheritance: Autosomal recessive inheritance. Affected: yes. Observed: 1 homozygote.
Comment: A duplication of size ~149.38 Kb, on chromosome 16 [chr16:g.(78386949_78424869)_(78432753_79211607)dup], comprising of the exon 7 and 8 of WWOX gene [c.(605+1_606-1)_(1056+1_1057-1); ENST00000566780.6], suggestive of a copy number variant was detected. Duplication involving the WWOX gene have also been reported in patients with epileptic encephalopathy characterized by absence of language development and acquisition of walking, early-onset drug-resistant seizures [PMID: 30356099]. The results are likely to be suggestive of a homozygous duplication (copy number gain).